The following is an entry in ClinVar:

ClinVar aggregate classification (germline): Uncertain significance. Review status: criteria provided, multiple submitters, no conflicts (2 of 4 stars). 2 submissions from 2 submitters: Uncertain significance (2). Last evaluated 2026-02-18.

Conditions:
Singleton-Merten syndrome 1 (SGMRT1). Also called: Widened medullary cavities of bone, aortic calcification, abnormal dentition, and muscular weakness; Syndrome of widened medullary cavities of the metacarpals and phalanges, aortic calcification and abnormal dentition. Identifiers: Orphanet 85191, MedGen C4225427, MONDO:0024535, OMIM 182250.
Aicardi-Goutieres syndrome 7 (AGS7). Identifiers: Orphanet 51, MedGen C3888244, MONDO:0014367, OMIM 615846.

Allele frequency attached by ClinVar (database versions not stated): gnomAD exomes below 0.00001; TOPMed below 0.00001.
gnomAD v4.1: 1 of 1,609,944 alleles (0.000062%); no homozygotes.

Submissions (2):

Women's Health and Genetics/Laboratory Corporation of America, LabCorp
Classification: Uncertain significance. Last evaluated: 2026-02-18. Review status: criteria provided, single submitter. Criteria: LabCorp Variant Classification Summary - May 2015. Collection method: clinical testing. Allele origin: germline.
Comment: Variant summary: IFIH1 c.2641A>G (p.Ile881Val) results in a conservative amino acid change located in the Helicase, C-terminal domain (IPR001650) of the encoded protein sequence. Algorithms developed to predict the effect of missense changes on protein structure and function are either unavailable or do not agree on the potential impact of this missense change. The variant allele was found at a frequency of 4e-06 in 249178 control chromosomes. The available data on variant occurrences in the general population are insufficient to allow any conclusion about variant significance. To our knowledge, no occurrence of c.2641A>G in individuals affected with IFIH1-related conditions and no experimental evidence demonstrating its impact on protein function have been reported. ClinVar contains an entry for this variant (Variation ID: 842968). Based on the evidence outlined above, the variant was classified as uncertain significance.

Labcorp Genetics (formerly Invitae), Labcorp
Classification: Uncertain significance for Aicardi-Goutieres syndrome 7; Singleton-Merten syndrome 1. Last evaluated: 2020-02-21. Review status: criteria provided, single submitter. Criteria: Invitae Variant Classification Sherloc (09022015). Collection method: clinical testing. Allele origin: germline.
Comment: This sequence change replaces isoleucine with valine at codon 881 of the IFIH1 protein (p.Ile881Val). The isoleucine residue is highly conserved and there is a small physicochemical difference between isoleucine and valine. This variant is not present in population databases (ExAC no frequency). This variant has not been reported in the literature in individuals with IFIH1-related conditions. Algorithms developed to predict the effect of missense changes on protein structure and function are either unavailable or do not agree on the potential impact of this missense change (SIFT: "Tolerated"; PolyPhen-2: "Possibly Damaging"; Align-GVGD: "Class C0"). In summary, the available evidence is currently insufficient to determine the role of this variant in disease. Therefore, it has been classified as a Variant of Uncertain Significance.

NM_022168.4(IFIH1):c.2641A>G (p.Ile881Val)

Gene: IFIH1 (interferon induced with helicase C domain 1; minus strand). Cytogenetic location: 2q24.2.
Variant type: single nucleotide variant.
Coding change: c.2641A>G on transcript NM_022168.4 (MANE Select); coding-DNA position 2641, A replaced by G.
Protein change: p.Ile881Val; replaces isoleucine 881 with valine.
Molecular consequence: missense variant.
Genome position (GRCh38, 1-based): chr2:162,268,253, T>C on the plus strand (A>G on the coding strand, the complement: IFIH1 is on the minus strand). VCF-style: chr2-162268253-T-C. GRCh37 (hg19) VCF-style: chr2-163124763-T-C.
Other names: short protein forms I881V.
Identifiers: ClinVar variation 842968 (VCV000842968.12), dbSNP rs1169761887, ClinGen allele CA348992291.
Genomic context (GRCh38, chr2:162,268,253, plus strand): 5'-ATGGGTTATTCTTGTAATGCTTGGCAATATTTCTCTTGGTTTTCATTTTCTTTTCCATTA[T>C]ACTTTGCATCTGTAATTCCAAAATCTGGACAGAGAAAGGAATAGTTAGTGGTTTCAGGTT-3'
Protein context (NP_071451.2, residues 871-891): HKILELQMQS[Ile881Val]MEKKMKTKRN